The following is an entry in ClinVar:

ClinVar aggregate classification (germline): Uncertain significance. Review status: criteria provided, multiple submitters, no conflicts (2 of 4 stars). 2 submissions from 2 submitters: Uncertain significance (2). Last evaluated 2025-10-28.

Conditions:
Hereditary cancer-predisposing syndrome. Also called: Neoplastic Syndromes, Hereditary; Hereditary Cancer Syndrome; Hereditary neoplastic syndrome; Tumor predisposition. Identifiers: Orphanet 140162, MedGen C0027672, MeSH D009386, MONDO:0015356.
Neuroblastoma, susceptibility to, 3. Also called: ALK-Related Neuroblastic Tumor Susceptibility. Identifiers: Orphanet 635, MedGen C2751681, MONDO:0013083, OMIM 613014.

Allele frequency attached by ClinVar (database versions not stated): TOPMed below 0.00001; gnomAD 0.00001.
gnomAD v4.1: 1 of 1,614,016 alleles (0.000062%); highest among the groups gnomAD compares: Admixed American, 0.0017%; no homozygotes.

Submissions (2):

Ambry Genetics
Classification: Uncertain significance for Hereditary cancer-predisposing syndrome. Last evaluated: 2025-10-28. Review status: criteria provided, single submitter. Criteria: Ambry Variant Classification Scheme 2023. Collection method: clinical testing. Allele origin: germline.
Comment: The p.S639G variant (also known as c.1915A>G), located in coding exon 11 of the ALK gene, results from an A to G substitution at nucleotide position 1915. The serine at codon 639 is replaced by glycine, an amino acid with similar properties. This amino acid position is conserved. In addition, this alteration is predicted to be tolerated by in silico analysis. Since supporting evidence is limited at this time, the clinical significance of this alteration remains unclear.

Labcorp Genetics (formerly Invitae), Labcorp
Classification: Uncertain significance for Neuroblastoma, susceptibility to, 3. Last evaluated: 2024-04-30. Review status: criteria provided, single submitter. Criteria: Invitae Variant Classification Sherloc (09022015). Collection method: clinical testing. Allele origin: germline.
Comment: This sequence change replaces serine, which is neutral and polar, with glycine, which is neutral and non-polar, at codon 639 of the ALK protein (p.Ser639Gly). This variant is not present in population databases (gnomAD no frequency). This variant has not been reported in the literature in individuals affected with ALK-related conditions. ClinVar contains an entry for this variant (Variation ID: 643335). Algorithms developed to predict the effect of missense changes on protein structure and function output the following: SIFT: "Not Available"; PolyPhen-2: "Benign"; Align-GVGD: "Not Available". The glycine amino acid residue is found in multiple mammalian species, which suggests that this missense change does not adversely affect protein function. In summary, the available evidence is currently insufficient to determine the role of this variant in disease. Therefore, it has been classified as a Variant of Uncertain Significance.

NM_004304.5(ALK):c.1915A>G (p.Ser639Gly)

Gene: ALK (ALK receptor tyrosine kinase; minus strand). Cytogenetic location: 2p23.2.
Variant type: single nucleotide variant.
Coding change: c.1915A>G on transcript NM_004304.5 (MANE Select); coding-DNA position 1915, A replaced by G.
Protein change: p.Ser639Gly; replaces serine 639 with glycine.
Molecular consequence: missense variant.
Genome position (GRCh38, 1-based): chr2:29,275,225, T>C on the plus strand (A>G on the coding strand, the complement: ALK is on the minus strand). VCF-style: chr2-29275225-T-C. GRCh37 (hg19) VCF-style: chr2-29498091-T-C.
Other names: short protein forms S639G.
Identifiers: ClinVar variation 643335 (VCV000643335.13), dbSNP rs1573183673, ClinGen allele CA346479832.